The following is an entry in ClinVar:

ClinVar aggregate classification (germline): Uncertain significance (1 of 4 stars; one submission).

Conditions:
Polyglucosan body myopathy type 1 (PGBM1). Also called: Polyglucosan body myopathy 1 with or without immunodeficiency; POLYGLUCOSAN BODY MYOPATHY WITHOUT IMMUNODEFICIENCY. Identifiers: Orphanet 329173, Orphanet 397937, MedGen C4014605, MONDO:0014389, OMIM 615895.

Allele frequency attached by ClinVar (database versions not stated): ExAC 0.00001; gnomAD 0.00001; gnomAD exomes 0.00001.
gnomAD v4.1: 17 of 1,611,168 alleles (0.0011%); highest among the groups gnomAD compares: African/African-American, 0.0027%; no homozygotes.

Submission:

Labcorp Genetics (formerly Invitae), Labcorp
Classification: Uncertain significance for Polyglucosan body myopathy type 1. Last evaluated: 2022-05-10. Review status: criteria provided, single submitter. Criteria: Invitae Variant Classification Sherloc (09022015). Collection method: clinical testing. Allele origin: germline.
Comment: This sequence change replaces threonine, which is neutral and polar, with methionine, which is neutral and non-polar, at codon 431 of the RBCK1 protein (p.Thr431Met). The frequency data for this variant in the population databases is considered unreliable, as metrics indicate poor data quality at this position in the gnomAD database. This variant has not been reported in the literature in individuals affected with RBCK1-related conditions. Algorithms developed to predict the effect of missense changes on protein structure and function are either unavailable or do not agree on the potential impact of this missense change (SIFT: "Not Available"; PolyPhen-2: "Probably Damaging"; Align-GVGD: "Not Available"). In summary, the available evidence is currently insufficient to determine the role of this variant in disease. Therefore, it has been classified as a Variant of Uncertain Significance.

NM_031229.4(RBCK1):c.1292C>T (p.Thr431Met)

Gene: RBCK1 (RANBP2-type and C3HC4-type zinc finger containing 1; plus strand). Cytogenetic location: 20p13.
Variant type: single nucleotide variant.
Coding change: c.1292C>T on transcript NM_031229.4 (MANE Select); coding-DNA position 1292, C replaced by T.
Protein change: p.Thr431Met; replaces threonine 431 with methionine.
Molecular consequence: missense variant. On other transcripts: non-coding transcript variant (1).
Genome position (GRCh38, 1-based): chr20:428,573, C>T. VCF-style: chr20-428573-C-T. GRCh37 (hg19) VCF-style: chr20-409217-C-T.
Other names: c.782C>T, p.Thr261Met (NM_001323956.2, NM_001323958.2); c.1343C>T, p.Thr448Met (NM_001410770.1); c.1166C>T, p.Thr389Met (NM_006462.6); short protein forms T261M, T431M, T448M, T389M.
Identifiers: ClinVar variation 1972575 (VCV001972575.3), dbSNP rs760689114, ClinGen allele CA9723328.